The following is an entry in ClinVar:

NM_080680.3(COL11A2):c.1189G>T (p.Val397Leu)

Gene: COL11A2 (collagen type XI alpha 2 chain; minus strand). Cytogenetic location: 6p21.32.
Variant type: single nucleotide variant.
Coding change: c.1189G>T on transcript NM_080680.3 (MANE Select); coding-DNA position 1189, G replaced by T.
Protein change: p.Val397Leu; replaces valine 397 with leucine.
Molecular consequence: missense variant.
Genome position (GRCh38, 1-based): chr6:33,180,996, C>A on the plus strand (G>T on the coding strand, the complement: COL11A2 is on the minus strand). VCF-style: chr6-33180996-C-A. GRCh37 (hg19) VCF-style: chr6-33148773-C-A.
Other names: c.931G>T, p.Val311Leu (NM_080681.3); c.1009G>T, p.Val337Leu (NM_001424108.1); c.343G>T, p.Val115Leu (NM_001424109.1); c.163G>T, p.Val55Leu (NM_001424110.1, NM_001424111.1); c.868G>T, p.Val290Leu (NM_080679.3); short protein forms V311L, V337L, V55L, V115L, V290L, V397L.
Identifiers: ClinVar variation 3690764 (VCV003690764.2).

ClinVar aggregate classification (germline): Uncertain significance (1 of 4 stars; one submission).

gnomAD v4.1: 5 of 1,614,122 alleles (0.00031%); highest among the groups gnomAD compares: South Asian, 0.0022%; no homozygotes.

Submission:

Labcorp Genetics (formerly Invitae), Labcorp
Classification: Uncertain significance. Last evaluated: 2025-03-27. Review status: criteria provided, single submitter. Criteria: Invitae Variant Classification Sherloc (09022015). Collection method: clinical testing. Allele origin: germline.
Comment: This sequence change replaces valine, which is neutral and non-polar, with leucine, which is neutral and non-polar, at codon 397 of the COL11A2 protein (p.Val397Leu). This variant is present in population databases (rs148250300, gnomAD 0.007%). This variant has not been reported in the literature in individuals affected with COL11A2-related conditions. Invitae Evidence Modeling of protein sequence and biophysical properties (such as structural, functional, and spatial information, amino acid conservation, physicochemical variation, residue mobility, and thermodynamic stability) indicates that this missense variant is not expected to disrupt COL11A2 protein function with a negative predictive value of 95%. In summary, the available evidence is currently insufficient to determine the role of this variant in disease. Therefore, it has been classified as a Variant of Uncertain Significance.